The following is an entry in ClinVar:

ClinVar aggregate classification (germline): Uncertain significance (1 of 4 stars; one submission).

Conditions:
Perlman syndrome (PRLMNS). Identifiers: Orphanet 2849, MedGen C0796113, MONDO:0009965, OMIM 267000.

Submission:

Labcorp Genetics (formerly Invitae), Labcorp
Classification: Uncertain significance for Perlman syndrome. Last evaluated: 2023-06-09. Review status: criteria provided, single submitter. Criteria: Invitae Variant Classification Sherloc (09022015). Collection method: clinical testing. Allele origin: germline.
Comment: This sequence change replaces valine, which is neutral and non-polar, with isoleucine, which is neutral and non-polar, at codon 441 of the DIS3L2 protein (p.Val441Ile). This variant is not present in population databases (gnomAD no frequency). This variant has not been reported in the literature in individuals affected with DIS3L2-related conditions. Advanced modeling of protein sequence and biophysical properties (such as structural, functional, and spatial information, amino acid conservation, physicochemical variation, residue mobility, and thermodynamic stability) performed at Invitae indicates that this missense variant is not expected to disrupt DIS3L2 protein function. In summary, the available evidence is currently insufficient to determine the role of this variant in disease. Therefore, it has been classified as a Variant of Uncertain Significance.

NM_152383.5(DIS3L2):c.1321G>A (p.Val441Ile)

Gene: DIS3L2 (DIS3 like 3'-5' exoribonuclease 2; plus strand). Cytogenetic location: 2q37.1.
Variant type: single nucleotide variant.
Coding change: c.1321G>A on transcript NM_152383.5 (MANE Select); coding-DNA position 1321, G replaced by A.
Protein change: p.Val441Ile; replaces valine 441 with isoleucine.
Molecular consequence: missense variant. On other transcripts: non-coding transcript variant (2).
Genome position (GRCh38, 1-based): chr2:232,249,242, G>A. VCF-style: chr2-232249242-G-A. GRCh37 (hg19) VCF-style: chr2-233113952-G-A.
Other names: c.1321G>A, p.Val441Ile (NM_001257281.2); short protein forms V441I.
Identifiers: ClinVar variation 2806482 (VCV002806482.3), dbSNP rs2470049262, ClinGen allele CA351155358.